The following is an entry in ClinVar:

NM_000256.3(MYBPC3):c.1968A>G (p.Pro656=)

Gene: MYBPC3 (myosin binding protein C3; minus strand). Cytogenetic location: 11p11.2.
Variant type: single nucleotide variant.
Coding change: c.1968A>G on transcript NM_000256.3 (MANE Select); coding-DNA position 1968, A replaced by G.
Protein change: p.Pro656=; no amino-acid change (proline 656 retained).
Molecular consequence: synonymous variant.
Genome position (GRCh38, 1-based): chr11:47,339,750, T>C on the plus strand (A>G on the coding strand, the complement: MYBPC3 is on the minus strand). VCF-style: chr11-47339750-T-C. GRCh37 (hg19) VCF-style: chr11-47361301-T-C.
Identifiers: ClinVar variation 42589 (VCV000042589.13), dbSNP rs397515940, ClinGen allele CA011574.
Genomic context (GRCh38, chr11:47,339,750, plus strand): 5'-GTCCCCAGAGATAGGGACGTCCAGACGTAGCTTATTTCCAGCTACAACCACAATGGTGTC[T>C]GGTATGCGGCCTGGGCAGTCCAGGTGGATCTTGGGAGGTTCTGCAGAAGACACAATGTAG-3'
Protein context (NP_000247.2, residues 646-666): KIHLDCPGRI[Pro656=]DTIVVVAGNK

ClinVar aggregate classification (germline): Likely benign. Review status: criteria provided, multiple submitters, no conflicts (2 of 4 stars). 5 submissions from 5 submitters: Likely benign (5). Last evaluated 2025-09-25.

Conditions:
Cardiovascular phenotype. Identifiers: MedGen CN230736.
Cardiomyopathy (CMYO). Also called: Cardiomyopathies. Identifiers: Orphanet 167848, MedGen C0878544, MONDO:0004994, HP:0001638. Inheritance: Various modes of inheritance.
Hypertrophic cardiomyopathy. Also called: HYPERTROPHIC MYOCARDIOPATHY. Identifiers: Orphanet 217569, MedGen C0007194, MeSH D002312, MONDO:0005045, HP:0001639.

Allele frequency attached by ClinVar (database versions not stated): gnomAD 0.00003 and 0.00004; TOPMed 0.00005; gnomAD exomes below 0.00001 and 0.00001; ExAC 0.00002.
gnomAD v4.1: 8 of 1,613,814 alleles (0.0005%); highest among the groups gnomAD compares: African/African-American, 0.008%; no homozygotes.

Submissions (5):

Labcorp Genetics (formerly Invitae), Labcorp
Classification: Likely benign for Hypertrophic cardiomyopathy. Last evaluated: 2025-09-25. Review status: criteria provided, single submitter. Criteria: Invitae Variant Classification Sherloc (09022015). Collection method: clinical testing. Allele origin: germline.

Color Diagnostics, LLC DBA Color Health
Classification: Likely benign for Cardiomyopathy. Last evaluated: 2022-11-06. Review status: criteria provided, single submitter. Criteria: ACMG Guidelines, 2015. Collection method: clinical testing. Allele origin: germline.

Ambry Genetics
Classification: Likely benign for Cardiovascular phenotype. Last evaluated: 2021-06-08. Review status: criteria provided, single submitter. Criteria: Ambry Variant Classification Scheme 2023. Collection method: clinical testing. Allele origin: germline.

GeneDx
Classification: Likely benign. Last evaluated: 2017-09-11. Review status: criteria provided, single submitter. Criteria: GeneDx Variant Classification (06012015). Collection method: clinical testing. Allele origin: germline. Affected: yes.
Comment: This variant is considered likely benign or benign based on one or more of the following criteria: it is a conservative change, it occurs at a poorly conserved position in the protein, it is predicted to be benign by multiple in silico algorithms, and/or has population frequency not consistent with disease.

Laboratory for Molecular Medicine, Mass General Brigham Personalized Medicine
Classification: Likely benign. Last evaluated: 2010-08-04. Review status: criteria provided, single submitter. Criteria: LMM Criteria. Collection method: clinical testing. Allele origin: germline. Observed: 1 variant allele.